The following is an entry in ClinVar:

NM_002691.4(POLD1):c.3139C>A (p.Leu1047Met)

Gene: POLD1 (DNA polymerase delta 1, catalytic subunit; plus strand). Cytogenetic location: 19q13.33.
Variant type: single nucleotide variant.
Coding change: c.3139C>A on transcript NM_002691.4 (MANE Select); coding-DNA position 3139, C replaced by A.
Protein change: p.Leu1047Met; replaces leucine 1047 with methionine.
Molecular consequence: missense variant. On other transcripts: non-coding transcript variant (1).
Genome position (GRCh38, 1-based): chr19:50,417,190, C>A. VCF-style: chr19-50417190-C-A. GRCh37 (hg19) VCF-style: chr19-50920447-C-A.
Other names: c.3139C>A, p.Leu1047Met (NM_001256849.1); c.3217C>A, p.Leu1073Met (NM_001308632.1); short protein forms L1047M, L1073M.
Identifiers: ClinVar variation 3421983 (VCV003421983.1).

ClinVar aggregate classification (germline): Uncertain significance (1 of 4 stars; one submission).

Conditions:
Hereditary cancer-predisposing syndrome. Also called: Neoplastic Syndromes, Hereditary; Tumor predisposition; Hereditary Cancer Syndrome; Hereditary neoplastic syndrome. Identifiers: Orphanet 140162, MedGen C0027672, MeSH D009386, MONDO:0015356.

Submission:

Ambry Genetics
Classification: Uncertain significance for Hereditary cancer-predisposing syndrome. Last evaluated: 2024-09-15. Review status: criteria provided, single submitter. Criteria: Ambry Variant Classification Scheme 2023. Collection method: clinical testing. Allele origin: germline.
Comment: The p.L1047M variant (also known as c.3139C>A), located in coding exon 25 of the POLD1 gene, results from a C to A substitution at nucleotide position 3139. The leucine at codon 1047 is replaced by methionine, an amino acid with highly similar properties. This amino acid position is conserved. In addition, this alteration is predicted to be tolerated by in silico analysis. Based on the available evidence, the clinical significance of this variant remains unclear.